The following is an entry in ClinVar:

NM_005896.4(IDH1):c.626T>A (p.Leu209Gln)

Gene: IDH1 (isocitrate dehydrogenase (NADP(+)) 1; minus strand). Cytogenetic location: 2q34.
Variant type: single nucleotide variant.
Coding change: c.626T>A on transcript NM_005896.4 (MANE Select); coding-DNA position 626, T replaced by A.
Protein change: p.Leu209Gln; replaces leucine 209 with glutamine.
Molecular consequence: missense variant.
Genome position (GRCh38, 1-based): chr2:208,243,499, A>T on the plus strand (T>A on the coding strand, the complement: IDH1 is on the minus strand). VCF-style: chr2-208243499-A-T. GRCh37 (hg19) VCF-style: chr2-209108223-A-T.
Other names: c.626T>A, p.Leu209Gln (NM_001282386.1, NM_001282387.1); short protein forms L209Q.
Identifiers: ClinVar variation 1752545 (VCV001752545.2), dbSNP rs1687958399, ClinGen allele CA350099131.

ClinVar aggregate classification (germline): Uncertain significance (1 of 4 stars; one submission).

Submission:

Ambry Genetics
Classification: Uncertain significance. Last evaluated: 2022-08-16. Review status: criteria provided, single submitter. Criteria: Ambry Variant Classification Scheme 2023. Collection method: clinical testing. Allele origin: germline.
Comment: The p.L209Q variant (also known as c.626T>A), located in coding exon 4 of the IDH1 gene, results from a T to A substitution at nucleotide position 626. The leucine at codon 209 is replaced by glutamine, an amino acid with dissimilar properties. This amino acid position is conserved. In addition, this alteration is predicted to be deleterious by in silico analysis. Since supporting evidence is limited at this time, the clinical significance of this alteration remains unclear.